The following is an entry in ClinVar:

ClinVar aggregate classification (germline): Uncertain significance (1 of 4 stars; one submission).

Conditions:
Dilated cardiomyopathy 1G (CMD1G). Identifiers: Orphanet 154, MedGen C1858763, MONDO:0011400, OMIM 604145.
Autosomal recessive limb-girdle muscular dystrophy type 2J (LGMDR10). Also called: Limb-girdle muscular dystrophy, type 2J; MUSCULAR DYSTROPHY, LIMB-GIRDLE, AUTOSOMAL RECESSIVE 10. Identifiers: Orphanet 140922, MedGen C1837342, MONDO:0012127, OMIM 608807.

Submission:

Labcorp Genetics (formerly Invitae), Labcorp
Classification: Uncertain significance for Dilated cardiomyopathy 1G; Autosomal recessive limb-girdle muscular dystrophy type 2J. Last evaluated: 2023-04-30. Review status: criteria provided, single submitter. Criteria: Invitae Variant Classification Sherloc (09022015). Collection method: clinical testing. Allele origin: germline.
Comment: This variant is located in the M band of TTN (PMID: 25589632). Variants in this region may be relevant for neuromuscular disorders, but have not been definitively shown to cause cardiomyopathy (PMID: 23975875). This sequence change replaces lysine, which is basic and polar, with asparagine, which is neutral and polar, at codon 35682 of the TTN protein (p.Lys35682Asn). This variant is not present in population databases (gnomAD no frequency). This variant has not been reported in the literature in individuals affected with TTN-related conditions. Algorithms developed to predict the effect of missense changes on protein structure and function output the following: SIFT: "Not Available"; PolyPhen-2: "Not Available"; Align-GVGD: "Not Available". The asparagine amino acid residue is found in multiple mammalian species, which suggests that this missense change does not adversely affect protein function. In summary, the available evidence is currently insufficient to determine the role of this variant in disease. Therefore, it has been classified as a Variant of Uncertain Significance.

Literature cited by the submitters: PubMed 25589632; PubMed 23975875.

NM_001267550.2(TTN):c.107046G>C (p.Lys35682Asn)

Genes: TTN-AS1 (TTN antisense RNA 1; plus strand), TTN (titin; minus strand). Cytogenetic location: 2q31.2.
Variant type: single nucleotide variant.
Coding change: c.107046G>C on transcript NM_001267550.2 (MANE Select); coding-DNA position 107046, G replaced by C.
Protein change: p.Lys35682Asn; replaces lysine 35682 with asparagine.
Molecular consequence: missense variant.
Genome position (GRCh38, 1-based): chr2:178,528,705, C>G on the plus strand (G>C on the coding strand, the complement: TTN is on the minus strand). VCF-style: chr2-178528705-C-G. GRCh37 (hg19) VCF-style: chr2-179393432-C-G.
Other names: c.102123G>C, p.Lys34041Asn (NM_001256850.1); c.79851G>C, p.Lys26617Asn (NM_003319.4); c.99342G>C, p.Lys33114Asn (NM_133378.4); c.80226G>C, p.Lys26742Asn (NM_133432.3); c.80427G>C, p.Lys26809Asn (NM_133437.4); short protein forms K26617N, K26809N, K33114N, K35682N, K26742N, K34041N.
Identifiers: ClinVar variation 2947324 (VCV002947324.3), dbSNP rs2468297843, ClinGen allele CA349402134.